The following is an entry in ClinVar:

ClinVar aggregate classification (germline): Uncertain significance (1 of 4 stars; one submission).

Allele frequency attached by ClinVar (database versions not stated): gnomAD exomes below 0.00001.
gnomAD v4.1: 1 of 1,613,840 alleles (0.000062%); highest among the groups gnomAD compares: Admixed American, 0.0017%; no homozygotes.

Submission:

Labcorp Genetics (formerly Invitae), Labcorp
Classification: Uncertain significance. Last evaluated: 2024-12-04. Review status: criteria provided, single submitter. Criteria: Invitae Variant Classification Sherloc (09022015). Collection method: clinical testing. Allele origin: germline.
Comment: This sequence change replaces tryptophan, which is neutral and slightly polar, with serine, which is neutral and polar, at codon 265 of the IL23R protein (p.Trp265Ser). This variant is not present in population databases (gnomAD no frequency). This variant has not been reported in the literature in individuals affected with IL23R-related conditions. ClinVar contains an entry for this variant (Variation ID: 1400865). An algorithm developed to predict the effect of missense changes on protein structure and function (PolyPhen-2) suggests that this variant is likely to be disruptive. In summary, the available evidence is currently insufficient to determine the role of this variant in disease. Therefore, it has been classified as a Variant of Uncertain Significance.

NM_144701.3(IL23R):c.794G>C (p.Trp265Ser)

Gene: IL23R (interleukin 23 receptor; plus strand). Cytogenetic location: 1p31.3.
Variant type: single nucleotide variant.
Coding change: c.794G>C on transcript NM_144701.3 (MANE Select); coding-DNA position 794, G replaced by C.
Protein change: p.Trp265Ser; replaces tryptophan 265 with serine.
Molecular consequence: missense variant.
Genome position (GRCh38, 1-based): chr1:67,207,051, G>C. VCF-style: chr1-67207051-G-C. GRCh37 (hg19) VCF-style: chr1-67672734-G-C.
Other names: short protein forms W265S.
Identifiers: ClinVar variation 1400865 (VCV001400865.6), dbSNP rs2102637641, ClinGen allele CA340728574.